The following is an entry in ClinVar:

ClinVar aggregate classification (germline): Uncertain significance (1 of 4 stars; one submission).

Conditions:
Nephronophthisis 20 (NPHP20). Identifiers: MedGen C4310640, MONDO:0014997, OMIM 617271.

Submission:

MVZ Medizinische Genetik Mainz
Classification: Uncertain significance for Nephronophthisis 20. Last evaluated: 2025-07-28. Review status: criteria provided, single submitter. Criteria: UK Practice Guidelines For Variant Classification V4 01 2020. Collection method: clinical testing. Allele origin: germline. Inheritance: Autosomal recessive inheritance. Affected: yes. Observed: 1 variant allele.
Comment: ACMG Criteria: PM2_SUP,PP2

NM_014994.3(MAPKBP1):c.1948G>C (p.Gly650Arg)

Gene: MAPKBP1 (mitogen-activated protein kinase binding protein 1; plus strand). Cytogenetic location: 15q15.1.
Variant type: single nucleotide variant.
Coding change: c.1948G>C on transcript NM_014994.3 (MANE Select); coding-DNA position 1948, G replaced by C.
Protein change: p.Gly650Arg; replaces glycine 650 with arginine.
Molecular consequence: missense variant. On other transcripts: non-coding transcript variant (2).
Genome position (GRCh38, 1-based): chr15:41,818,052, G>C. VCF-style: chr15-41818052-G-C. GRCh37 (hg19) VCF-style: chr15-42110250-G-C.
Other names: c.1966G>C, p.Gly656Arg (NM_001128608.2); c.1948G>C, p.Gly650Arg (NM_001265611.2); short protein forms G650R, G656R.
Identifiers: ClinVar variation 4077093 (VCV004077093.1).